The following is an entry in ClinVar:

ClinVar aggregate classification (germline): Conflicting classifications of pathogenicity. Review status: criteria provided, conflicting classifications (1 of 4 stars). 2 submissions from 2 submitters: Uncertain significance (1); Likely benign (1). Last evaluated 2025-10-09.

Conditions:
Hereditary cancer-predisposing syndrome. Also called: Neoplastic Syndromes, Hereditary; Hereditary neoplastic syndrome; Tumor predisposition; Hereditary Cancer Syndrome. Identifiers: Orphanet 140162, MedGen C0027672, MeSH D009386, MONDO:0015356.

Submissions (2):

Labcorp Genetics (formerly Invitae), Labcorp
Classification: Uncertain significance. Last evaluated: 2025-10-09. Review status: criteria provided, single submitter. Criteria: Invitae Variant Classification Sherloc (09022015). Collection method: clinical testing. Allele origin: germline.
Comment: This sequence change replaces threonine, which is neutral and polar, with asparagine, which is neutral and polar, at codon 10 of the NTHL1 protein (p.Thr10Asn). This variant is not present in population databases (gnomAD no frequency). This variant has not been reported in the literature in individuals affected with NTHL1-related conditions. ClinVar contains an entry for this variant (Variation ID: 2822979). An algorithm developed to predict the effect of missense changes on protein structure and function outputs the following: PolyPhen-2: "Benign". The asparagine amino acid residue is found in multiple mammalian species, which suggests that this missense change does not adversely affect protein function. In summary, the available evidence is currently insufficient to determine the role of this variant in disease. Therefore, it has been classified as a Variant of Uncertain Significance.

Ambry Genetics
Classification: Likely benign for Hereditary cancer-predisposing syndrome. Last evaluated: 2025-04-23. Review status: criteria provided, single submitter. Criteria: Ambry Variant Classification Scheme 2023. Collection method: clinical testing. Allele origin: germline.

NM_002528.7(NTHL1):c.5C>A (p.Thr2Asn)

Gene: NTHL1 (nth like DNA glycosylase 1; minus strand). Cytogenetic location: 16p13.3.
Variant type: single nucleotide variant.
Coding change: c.5C>A on transcript NM_002528.7 (MANE Select); coding-DNA position 5, C replaced by A.
Protein change: p.Thr2Asn; replaces threonine 2 with asparagine.
Molecular consequence: missense variant. On other transcripts: 5 prime UTR variant (1).
Genome position (GRCh38, 1-based): chr16:2,047,819, G>T on the plus strand (C>A on the coding strand, the complement: NTHL1 is on the minus strand). VCF-style: chr16-2047819-G-T. GRCh37 (hg19) VCF-style: chr16-2097820-G-T.
Other names: c.-174C>A (NM_001318194.2); c.5C>A, p.Thr2Asn (NM_001318193.2); c.29C>A (NM_002528.5); short protein forms T2N.
Identifiers: ClinVar variation 2822979 (VCV002822979.4), dbSNP rs1305523200, ClinGen allele CA394298708.
Genomic context (GRCh38, chr16:2,047,819, plus strand): 5'-CGCGGCCCAGCCCCGGGTCCCAGGCTCCGGCTCCGGGTCAGCATCCTCGCGCTCAAGGCG[G>T]TCATGCCGGACTCCTGCGGACTACACATCCCGGCGGCCCATGCGGCCCCGTCACGTGATG-3'
Protein context (NP_002519.2, residues 1-12): M[Thr2Asn]ALSARMLTRS